The following is an entry in ClinVar:

ClinVar aggregate classification (germline): Benign (0 of 4 stars; one submission).

Conditions:
DCDC1-related disorder. Also called: DCDC1-related condition.

Allele frequency attached by ClinVar (database versions not stated): ESP Exome Variant Server 0.08712; gnomAD 0.09978; 1000 Genomes Project 0.11302; 1000 Genomes Project 30x 0.11462.
gnomAD v4.1: 130,589 of 1,273,900 alleles (10%); highest among the groups gnomAD compares: Admixed American, 24%; 7,884 homozygotes.

Submissions (3):

PreventionGenetics, part of Exact Sciences
Classification: Benign for DCDC1-related condition. Last evaluated: 2019-06-25. Review status: no assertion criteria provided. Collection method: clinical testing. Allele origin: germline.
Comment: This variant is classified as benign based on ACMG/AMP sequence variant interpretation guidelines (Richards et al. 2015 PMID: 25741868, with internal and published modifications).

Dr. Peter K. Rogan Lab, Western University
No classification provided (evidence only). Condition: Familial cancer of breast. Review status: no classification provided. Collection method: in vitro. Allele origin: not applicable. Functional consequence: retained intron. Not counted in ClinVar's aggregate classification.

Dr. Peter K. Rogan Lab, Western University
No classification provided (evidence only). Condition: Hepatocellular carcinoma. Review status: no classification provided. Collection method: in vitro. Allele origin: not applicable. Functional consequence: skipped exon, retained intron. Not counted in ClinVar's aggregate classification.

NM_001387274.1(DCDC1):c.2592G>T (p.Arg864Ser)

Gene: DCDC1 (doublecortin domain containing 1; minus strand). Cytogenetic location: 11p14.1.
Variant type: single nucleotide variant.
Coding change: c.2592G>T on transcript NM_001387274.1 (MANE Select); coding-DNA position 2592, G replaced by T.
Protein change: p.Arg864Ser; replaces arginine 864 with serine.
Molecular consequence: missense variant. On other transcripts: 5 prime UTR variant (2), non-coding transcript variant (1).
Genome position (GRCh38, 1-based): chr11:30,952,568, C>A on the plus strand (G>T on the coding strand, the complement: DCDC1 is on the minus strand). VCF-style: chr11-30952568-C-A. GRCh37 (hg19) VCF-style: chr11-30974115-C-A.
Other names: NM_001350255.1:c.1449G>T; NC_000011.9:g.30974115C>A; c.2592G>T, p.Arg864Ser (NM_001367979.1); c.-710G>T (NM_001387275.1); c.-88G>T (NM_020869.4); short protein forms R864S.
Identifiers: ClinVar variation 3060329 (VCV003060329.3), dbSNP rs158633, ClinGen allele CA5932023.